The following is an entry in ClinVar:

ClinVar aggregate classification (germline): Uncertain significance. Review status: criteria provided, multiple submitters, no conflicts (2 of 4 stars). 2 submissions from 2 submitters: Uncertain significance (2). Last evaluated 2025-07-13.

Conditions:
ANKRD1-related dilated cardiomyopathy. Identifiers: MedGen CN119551.
Cardiovascular phenotype. Identifiers: MedGen CN230736.

Allele frequency attached by ClinVar (database versions not stated): gnomAD exomes below 0.00001; TOPMed 0.00002; gnomAD 0.00003.

Submissions (2):

Labcorp Genetics (formerly Invitae), Labcorp
Classification: Uncertain significance for ANKRD1-related dilated cardiomyopathy. Last evaluated: 2025-07-13. Review status: criteria provided, single submitter. Criteria: Invitae Variant Classification Sherloc (09022015). Collection method: clinical testing. Allele origin: germline.
Comment: This sequence change replaces alanine, which is neutral and non-polar, with valine, which is neutral and non-polar, at codon 259 of the ANKRD1 protein (p.Ala259Val). This variant is present in population databases (no rsID available, gnomAD 0.01%). This missense change has been observed in individual(s) with clinical features of ANKRD1-related conditions (PMID: 21520333). ClinVar contains an entry for this variant (Variation ID: 1009573). Invitae Evidence Modeling of protein sequence and biophysical properties (such as structural, functional, and spatial information, amino acid conservation, physicochemical variation, residue mobility, and thermodynamic stability) has been performed for this missense variant. However, the output from this modeling did not meet the statistical confidence thresholds required to predict the impact of this variant on ANKRD1 protein function. In summary, the available evidence is currently insufficient to determine the role of this variant in disease. Therefore, it has been classified as a Variant of Uncertain Significance.

Ambry Genetics
Classification: Uncertain significance for Cardiovascular phenotype. Last evaluated: 2024-10-28. Review status: criteria provided, single submitter. Criteria: Ambry Variant Classification Scheme 2023. Collection method: clinical testing. Allele origin: germline.
Comment: The p.A259V variant (also known as c.776C>T), located in coding exon 8 of the ANKRD1 gene, results from a C to T substitution at nucleotide position 776. The alanine at codon 259 is replaced by valine, an amino acid with similar properties. This amino acid position is conserved. In addition, this alteration is predicted to be deleterious by in silico analysis. Since supporting evidence is limited at this time, the clinical significance of this alteration remains unclear.

Literature cited by the submitters: PubMed 21520333 (cited by Labcorp Genetics (formerly Invitae), Labcorp).

NM_014391.3(ANKRD1):c.776C>T (p.Ala259Val)

Gene: ANKRD1 (ankyrin repeat domain 1; minus strand). Cytogenetic location: 10q23.31.
Variant type: single nucleotide variant.
Coding change: c.776C>T on transcript NM_014391.3 (MANE Select); coding-DNA position 776, C replaced by T.
Protein change: p.Ala259Val; replaces alanine 259 with valine.
Molecular consequence: missense variant.
Genome position (GRCh38, 1-based): chr10:90,915,616, G>A on the plus strand (C>T on the coding strand, the complement: ANKRD1 is on the minus strand). VCF-style: chr10-90915616-G-A. GRCh37 (hg19) VCF-style: chr10-92675373-G-A.
Other names: short protein forms A259V.
Identifiers: ClinVar variation 1009573 (VCV001009573.9), dbSNP rs866604612, ClinGen allele CA211421322.